The following is an entry in ClinVar:

ClinVar aggregate classification (germline): Uncertain significance (1 of 4 stars; one submission).

Conditions:
Early-infantile DEE. Also called: Ohtahara syndrome; Early infantile epileptic encephalopathy with suppression bursts; Early infantile epileptic encephalopathy. Identifiers: Orphanet 1934, MedGen C0393706, MONDO:0800491.

Submission:

Labcorp Genetics (formerly Invitae), Labcorp
Classification: Uncertain significance for Early-infantile DEE. Last evaluated: 2020-11-25. Review status: criteria provided, single submitter. Criteria: Invitae Variant Classification Sherloc (09022015). Collection method: clinical testing. Allele origin: germline.
Comment: In summary, the available evidence is currently insufficient to determine the role of this variant in disease. Therefore, it has been classified as a Variant of Uncertain Significance. Algorithms developed to predict the effect of missense changes on protein structure and function are either unavailable or do not agree on the potential impact of this missense change (SIFT: "Deleterious"; PolyPhen-2: "Benign"; Align-GVGD: "Class C25"). This variant has not been reported in the literature in individuals with HCN1-related conditions. This variant is not present in population databases (ExAC no frequency). This sequence change replaces glutamine with glutamic acid at codon 406 of the HCN1 protein (p.Gln406Glu). The glutamine residue is highly conserved and there is a small physicochemical difference between glutamine and glutamic acid.

NM_021072.4(HCN1):c.1216C>G (p.Gln406Glu)

Gene: HCN1 (hyperpolarization activated cyclic nucleotide gated potassium channel 1; minus strand). Cytogenetic location: 5p12.
Variant type: single nucleotide variant.
Coding change: c.1216C>G on transcript NM_021072.4 (MANE Select); coding-DNA position 1216, C replaced by G.
Protein change: p.Gln406Glu; replaces glutamine 406 with glutamic acid.
Molecular consequence: missense variant.
Genome position (GRCh38, 1-based): chr5:45,396,506, G>C on the plus strand (C>G on the coding strand, the complement: HCN1 is on the minus strand). VCF-style: chr5-45396506-G-C. GRCh37 (hg19) VCF-style: chr5-45396608-G-C.
Other names: short protein forms Q406E.
Identifiers: ClinVar variation 1058375 (VCV001058375.10), dbSNP rs2112040583, ClinGen allele CA359705172.